The following is an entry in ClinVar:

ClinVar aggregate classification (germline): Uncertain significance (1 of 4 stars; one submission).

Conditions:
Inborn genetic diseases. Identifiers: MedGen C0950123, MeSH D030342.

Allele frequency attached by ClinVar (database versions not stated): TOPMed below 0.00001.

Submission:

Ambry Genetics
Classification: Uncertain significance for Inborn genetic diseases. Last evaluated: 2023-05-19. Review status: criteria provided, single submitter. Criteria: Ambry Variant Classification Scheme 2023. Collection method: clinical testing. Allele origin: germline.
Comment: The p.L738F variant (also known as c.2212C>T), located in coding exon 14 of the CDH2 gene, results from a C to T substitution at nucleotide position 2212. The leucine at codon 738 is replaced by phenylalanine, an amino acid with highly similar properties. This amino acid position is conserved. In addition, the in silico prediction for this alteration is inconclusive. Since supporting evidence is limited at this time, the clinical significance of this alteration remains unclear.

NM_001792.5(CDH2):c.2212C>T (p.Leu738Phe)

Gene: CDH2 (cadherin 2; minus strand). Cytogenetic location: 18q12.1.
Variant type: single nucleotide variant.
Coding change: c.2212C>T on transcript NM_001792.5 (MANE Select); coding-DNA position 2212, C replaced by T.
Protein change: p.Leu738Phe; replaces leucine 738 with phenylalanine.
Molecular consequence: missense variant.
Genome position (GRCh38, 1-based): chr18:27,983,081, G>A on the plus strand (C>T on the coding strand, the complement: CDH2 is on the minus strand). VCF-style: chr18-27983081-G-A. GRCh37 (hg19) VCF-style: chr18-25563045-G-A.
Other names: c.2119C>T, p.Leu707Phe (NM_001308176.2); short protein forms L738F, L707F.
Identifiers: ClinVar variation 2562130 (VCV002562130.2), dbSNP rs2012111833, ClinGen allele CA402106449.